The following is an entry in ClinVar:

ClinVar aggregate classification (germline): Uncertain significance (1 of 4 stars; one submission).

Allele frequency attached by ClinVar (database versions not stated): gnomAD exomes below 0.00001; TOPMed 0.00001.
gnomAD v4.1: 4 of 1,600,900 alleles (0.00025%); highest among the groups gnomAD compares: Non-Finnish European, 0.00034%; no homozygotes.

Submission:

Labcorp Genetics (formerly Invitae), Labcorp
Classification: Uncertain significance. Last evaluated: 2022-09-13. Review status: criteria provided, single submitter. Criteria: Invitae Variant Classification Sherloc (09022015). Collection method: clinical testing. Allele origin: germline.
Comment: This variant is not present in population databases (gnomAD no frequency). This sequence change replaces arginine, which is basic and polar, with tryptophan, which is neutral and slightly polar, at codon 293 of the ZNF513 protein (p.Arg293Trp). This variant has not been reported in the literature in individuals affected with ZNF513-related conditions. In summary, the available evidence is currently insufficient to determine the role of this variant in disease. Therefore, it has been classified as a Variant of Uncertain Significance. Algorithms developed to predict the effect of missense changes on protein structure and function (SIFT, PolyPhen-2, Align-GVGD) all suggest that this variant is likely to be disruptive. ClinVar contains an entry for this variant (Variation ID: 1483762).

NM_144631.6(ZNF513):c.877C>T (p.Arg293Trp)

Gene: ZNF513 (zinc finger protein 513; minus strand). Cytogenetic location: 2p23.3.
Variant type: single nucleotide variant.
Coding change: c.877C>T on transcript NM_144631.6 (MANE Select); coding-DNA position 877, C replaced by T.
Protein change: p.Arg293Trp; replaces arginine 293 with tryptophan.
Molecular consequence: missense variant.
Genome position (GRCh38, 1-based): chr2:27,378,294, G>A on the plus strand (C>T on the coding strand, the complement: ZNF513 is on the minus strand). VCF-style: chr2-27378294-G-A. GRCh37 (hg19) VCF-style: chr2-27601161-G-A.
Other names: c.691C>T, p.Arg231Trp (NM_001201459.2); short protein forms R231W, R293W.
Identifiers: ClinVar variation 1483762 (VCV001483762.6), dbSNP rs1433676580, ClinGen allele CA346216937.